The following is an entry in ClinVar:

ClinVar aggregate classification (germline): Uncertain significance (1 of 4 stars; one submission).

Allele frequency attached by ClinVar (database versions not stated): gnomAD 0.00001; TOPMed 0.00001.
gnomAD v4.1: 39 of 1,605,382 alleles (0.0024%); highest among the groups gnomAD compares: Non-Finnish European, 0.0032%; no homozygotes.

Submission:

Labcorp Genetics (formerly Invitae), Labcorp
Classification: Uncertain significance. Last evaluated: 2025-02-18. Review status: criteria provided, single submitter. Criteria: Invitae Variant Classification Sherloc (09022015). Collection method: clinical testing. Allele origin: germline.
Comment: This sequence change replaces glutamic acid, which is acidic and polar, with alanine, which is neutral and non-polar, at codon 716 of the DDX58 protein (p.Glu716Ala). This variant is not present in population databases (gnomAD no frequency). This variant has not been reported in the literature in individuals affected with DDX58-related conditions. ClinVar contains an entry for this variant (Variation ID: 2018853). Invitae Evidence Modeling of protein sequence and biophysical properties (such as structural, functional, and spatial information, amino acid conservation, physicochemical variation, residue mobility, and thermodynamic stability) indicates that this missense variant is expected to disrupt DDX58 protein function with a positive predictive value of 80%. In summary, the available evidence is currently insufficient to determine the role of this variant in disease. Therefore, it has been classified as a Variant of Uncertain Significance.

NM_014314.4(RIGI):c.2147A>C (p.Glu716Ala)

Gene: RIGI (RNA sensor RIG-I; minus strand). Cytogenetic location: 9p21.1.
Variant type: single nucleotide variant.
Coding change: c.2147A>C on transcript NM_014314.4 (MANE Select); coding-DNA position 2147, A replaced by C.
Protein change: p.Glu716Ala; replaces glutamic acid 716 with alanine.
Molecular consequence: missense variant. On other transcripts: intron variant (1).
Genome position (GRCh38, 1-based): chr9:32,467,800, T>G on the plus strand (A>C on the coding strand, the complement: RIGI is on the minus strand). VCF-style: chr9-32467800-T-G. GRCh37 (hg19) VCF-style: chr9-32467798-T-G.
Other names: c.2141A>C, p.Glu714Ala (NM_001385907.1); c.1706A>C, p.Glu569Ala (NM_001385910.1); c.1538A>C, p.Glu513Ala (NM_001385912.1); c.2132A>C, p.Glu711Ala (NM_001385913.1); c.1703A>C, p.Glu568Ala (NM_001385914.1); c.2015-1359A>C (NM_001385909.1); short protein forms E714A, E568A, E711A, E513A, E569A, E716A.
Identifiers: ClinVar variation 2018853 (VCV002018853.4), dbSNP rs1369483370, ClinGen allele CA373146048.